The following is an entry in ClinVar:

NM_145207.3(AFG2A):c.1154C>T (p.Pro385Leu)

Gene: AFG2A (AAA ATPase AFG2A; plus strand). Cytogenetic location: 4q28.1.
Variant type: single nucleotide variant.
Coding change: c.1154C>T on transcript NM_145207.3 (MANE Select); coding-DNA position 1154, C replaced by T.
Protein change: p.Pro385Leu; replaces proline 385 with leucine.
Molecular consequence: missense variant.
Genome position (GRCh38, 1-based): chr4:122,935,720, C>T. VCF-style: chr4-122935720-C-T. GRCh37 (hg19) VCF-style: chr4-123856875-C-T.
Other names: c.1151C>T, p.Pro384Leu (NM_001317799.2, NM_001345856.2); short protein forms P385L, P384L.
Identifiers: ClinVar variation 475716 (VCV000475716.5), dbSNP rs1553956091, ClinGen allele CA358103591.
Genomic context (GRCh38, chr4:122,935,720, plus strand): 5'-ATTTATAAGAAACCTAGTAATGGTGAATCTAGTGTTTTCTACTTTTTCTTCCAGGAATTC[C>T]TGCCCCTAGAGGAGTGTTACTTTATGGTCCTCCAGGTACTGGAAAAACAATGATCGCCAG-3'
Protein context (NP_660208.2, residues 375-395): QPELFKSYGI[Pro385Leu]APRGVLLYGP

ClinVar aggregate classification (germline): Uncertain significance. Review status: criteria provided, multiple submitters, no conflicts (2 of 4 stars). 2 submissions from 2 submitters: Uncertain significance (2). Last evaluated 2024-01-19.

Conditions:
Microcephaly-intellectual disability-sensorineural hearing loss-epilepsy-abnormal muscle tone syndrome (NEDHSB). Also called: NEURODEVELOPMENTAL DISORDER WITH HEARING LOSS, SEIZURES, AND BRAIN ABNORMALITIES. Identifiers: Orphanet 457351, MedGen C4225276, MONDO:0014698, OMIM 616577.

Allele frequency attached by ClinVar (database versions not stated): TOPMed below 0.00001.

Submissions (2):

Labcorp Genetics (formerly Invitae), Labcorp
Classification: Uncertain significance for Microcephaly-intellectual disability-sensorineural hearing loss-epilepsy-abnormal muscle tone syndrome. Last evaluated: 2024-01-19. Review status: criteria provided, single submitter. Criteria: Invitae Variant Classification Sherloc (09022015). Collection method: clinical testing. Allele origin: germline.
Comment: This sequence change replaces proline, which is neutral and non-polar, with leucine, which is neutral and non-polar, at codon 385 of the SPATA5 protein (p.Pro385Leu). This variant is not present in population databases (gnomAD no frequency). This variant has not been reported in the literature in individuals affected with SPATA5-related conditions. ClinVar contains an entry for this variant (Variation ID: 475716). Advanced modeling of protein sequence and biophysical properties (such as structural, functional, and spatial information, amino acid conservation, physicochemical variation, residue mobility, and thermodynamic stability) performed at Invitae indicates that this missense variant is not expected to disrupt SPATA5 protein function with a negative predictive value of 80%. In summary, the available evidence is currently insufficient to determine the role of this variant in disease. Therefore, it has been classified as a Variant of Uncertain Significance.

Baylor Genetics
Classification: Uncertain significance for Microcephaly-intellectual disability-sensorineural hearing loss-epilepsy-abnormal muscle tone syndrome. Last evaluated: 2020-01-10. Review status: criteria provided, single submitter. Criteria: ACMG Guidelines, 2015. Collection method: clinical testing. Allele origin: unknown. Affected: yes.
Comment: This variant was determined to be of uncertain significance according to ACMG Guidelines, 2015 [PMID:25741868].